The following is an entry in ClinVar:

ClinVar aggregate classification (germline): Uncertain significance (1 of 4 stars; one submission).

Allele frequency attached by ClinVar (database versions not stated): ExAC 0.00001; gnomAD exomes 0.00001.

Submission:

Laboratory for Molecular Medicine, Mass General Brigham Personalized Medicine
Classification: Uncertain significance. Last evaluated: 2014-11-10. Review status: criteria provided, single submitter. Criteria: LMM Criteria. Collection method: clinical testing. Allele origin: germline. Observed: 1 variant allele.
Comment: The p.Arg225His variant in GIPC3 has not been previously reported in individuals with hearing loss or in large population studies. Computational prediction tool s and conservation analysis suggest that this variant may impact the protein, th ough this information is not predictive enough to determine pathogenicity. In su mmary, the clinical significance of the p.Arg225His variant is uncertain.

NM_133261.3(GIPC3):c.674G>A (p.Arg225His)

Gene: GIPC3 (GIPC PDZ domain containing family member 3; plus strand). Cytogenetic location: 19p13.3.
Variant type: single nucleotide variant.
Coding change: c.674G>A on transcript NM_133261.3 (MANE Select); coding-DNA position 674, G replaced by A.
Protein change: p.Arg225His; replaces arginine 225 with histidine.
Molecular consequence: missense variant.
Genome position (GRCh38, 1-based): chr19:3,589,524, G>A. VCF-style: chr19-3589524-G-A. GRCh37 (hg19) VCF-style: chr19-3589522-G-A.
Other names: short protein forms R225H.
Identifiers: ClinVar variation 163507 (VCV000163507.4), dbSNP rs727503064, ClinGen allele CA176149.